The following is an entry in ClinVar:

NM_021922.3(FANCE):c.1509+1G>A

Gene: FANCE (FA complementation group E; plus strand). Cytogenetic location: 6p21.31.
Variant type: single nucleotide variant.
Coding change: c.1509+1G>A on transcript NM_021922.3 (MANE Select); the canonical splice donor site of the intron after coding-DNA position 1509, G replaced by A.
Molecular consequence: splice donor variant. On other transcripts: intron variant (1).
Genome position (GRCh38, 1-based): chr6:35,462,915, G>A. VCF-style: chr6-35462915-G-A. GRCh37 (hg19) VCF-style: chr6-35430692-G-A.
Other names: c.1316+3155G>A (NM_001410876.1).
Identifiers: ClinVar variation 915875 (VCV000915875.4), dbSNP rs745877509, ClinGen allele CA137302662.

ClinVar aggregate classification (germline): Uncertain significance. Review status: criteria provided, single submitter (1 of 4 stars). 2 submissions from 2 submitters: Uncertain significance (1). 1 of the submissions does not count toward it. Last evaluated 2025-09-23.

Conditions:
Fanconi anemia complementation group E (FANCE). Also called: FANCE-Related Fanconi Anemia. Identifiers: Orphanet 84, MedGen C3160739, MONDO:0010953, OMIM 600901.

Allele frequency attached by ClinVar (database versions not stated): gnomAD exomes below 0.00001; gnomAD 0.00001.
gnomAD v4.1: 2 of 1,614,056 alleles (0.00012%); highest among the groups gnomAD compares: Non-Finnish European, 0.00017%; no homozygotes.

Submissions (2):

Labcorp Genetics (formerly Invitae), Labcorp
Classification: Uncertain significance for Fanconi anemia complementation group E. Last evaluated: 2025-09-23. Review status: criteria provided, single submitter. Criteria: Invitae Variant Classification Sherloc (09022015). Collection method: clinical testing. Allele origin: germline.
Comment: This sequence change affects a donor splice site in intron 9 of the FANCE gene. While this variant is not anticipated to result in nonsense mediated decay, it likely alters RNA splicing and results in a disrupted protein product. This variant is not present in population databases (gnomAD no frequency). Disruption of this splice site has been observed in individual(s) with clinical features of Fanconi anemia (PMID: 33224012, 36398383). In at least one individual the data is consistent with being in trans (on the opposite chromosome) from a pathogenic variant. ClinVar contains an entry for this variant (Variation ID: 915875). Variants that disrupt the consensus splice site are a relatively common cause of aberrant splicing (PMID: 17576681, 9536098). Algorithms developed to predict the effect of sequence changes on RNA splicing suggest that this variant may disrupt the consensus splice site. In summary, the available evidence is currently insufficient to determine the role of this variant in disease. Therefore, it has been classified as a Variant of Uncertain Significance.

Istanbul Faculty of Medicine, Istanbul University
Classification: Likely pathogenic for Fanconi anemia, complementation group E. Last evaluated: 2020-03-17. Review status: no assertion criteria provided. Collection method: clinical testing. Allele origin: germline. Affected: yes. Observed: 1 variant allele. Not counted in ClinVar's aggregate classification.
Comment: Segregates in family

Literature cited by the submitters: PubMed 33224012 (cited by Labcorp Genetics (formerly Invitae), Labcorp); PubMed 36398383 (cited by Labcorp Genetics (formerly Invitae), Labcorp); PubMed 17576681 (cited by Labcorp Genetics (formerly Invitae), Labcorp); PubMed 9536098 (cited by Labcorp Genetics (formerly Invitae), Labcorp); DOI 10.1159/000509838 (cited by Istanbul Faculty of Medicine, Istanbul University).